The following is an entry in ClinVar:

NM_012108.4(STAP1):c.183G>C (p.Lys61Asn)

Gene: STAP1 (signal transducing adaptor family member 1; plus strand). Cytogenetic location: 4q13.2.
Variant type: single nucleotide variant.
Coding change: c.183G>C on transcript NM_012108.4 (MANE Select); coding-DNA position 183, G replaced by C.
Protein change: p.Lys61Asn; replaces lysine 61 with asparagine.
Molecular consequence: missense variant.
Genome position (GRCh38, 1-based): chr4:67,571,146, G>C. VCF-style: chr4-67571146-G-C. GRCh37 (hg19) VCF-style: chr4-68436864-G-C.
Other names: c.183G>C, p.Lys61Asn (NM_001317769.2); short protein forms K61N.
Identifiers: ClinVar variation 4590308 (VCV004590308.1).

ClinVar aggregate classification (germline): Uncertain significance (1 of 4 stars; one submission).

Submission:

Ambry Genetics
Classification: Uncertain significance. Last evaluated: 2025-11-24. Review status: criteria provided, single submitter. Criteria: Ambry Variant Classification Scheme 2023. Collection method: clinical testing. Allele origin: germline.
Comment: The p.K61N variant (also known as c.183G>C), located in coding exon 2 of the STAP1 gene, results from a G to C substitution at nucleotide position 183. The lysine at codon 61 is replaced by asparagine, an amino acid with similar properties. This amino acid position is conserved. In addition, this alteration is predicted to be tolerated by in silico analysis. Based on the available evidence, the clinical significance of this variant remains unclear.